The following is an entry in ClinVar:

ClinVar aggregate classification (germline): Likely benign. Review status: criteria provided, multiple submitters, no conflicts (2 of 4 stars). 3 submissions from 3 submitters: Likely benign (2). 1 of the submissions does not count toward it. Last evaluated 2024-12-04.

Conditions:
Inborn genetic diseases. Identifiers: MedGen C0950123, MeSH D030342.
SAMD9L-related disorder. Also called: SAMD9L-related disorders; SAMD9L-related condition.

Allele frequency attached by ClinVar (database versions not stated): gnomAD exomes 0.00001 and 0.00002; ExAC 0.00002; TOPMed 0.00010; gnomAD 0.00011 and 0.00012; ESP Exome Variant Server 0.00015.
gnomAD v4.1: 52 of 1,613,832 alleles (0.0032%); highest among the groups gnomAD compares: African/African-American, 0.024%; no homozygotes.

Submissions (3):

Labcorp Genetics (formerly Invitae), Labcorp
Classification: Likely benign. Last evaluated: 2024-12-04. Review status: criteria provided, single submitter. Criteria: Invitae Variant Classification Sherloc (09022015). Collection method: clinical testing. Allele origin: germline.

Ambry Genetics
Classification: Likely benign for Inborn genetic diseases. Last evaluated: 2024-11-21. Review status: criteria provided, single submitter. Criteria: Ambry Variant Classification Scheme 2023. Collection method: clinical testing. Allele origin: germline.

PreventionGenetics, part of Exact Sciences
Classification: Likely benign for SAMD9L-related condition. Last evaluated: 2022-12-20. Review status: no assertion criteria provided. Collection method: clinical testing. Allele origin: germline. Not counted in ClinVar's aggregate classification.
Comment: This variant is classified as likely benign based on ACMG/AMP sequence variant interpretation guidelines (Richards et al. 2015 PMID: 25741868, with internal and published modifications).

NM_152703.5(SAMD9L):c.1860T>C (p.Thr620=)

Gene: SAMD9L (sterile alpha motif domain containing 9 like; minus strand). Cytogenetic location: 7q21.2.
Variant type: single nucleotide variant.
Coding change: c.1860T>C on transcript NM_152703.5 (MANE Select); coding-DNA position 1860, T replaced by C.
Protein change: p.Thr620=; no amino-acid change (threonine 620 retained).
Molecular consequence: synonymous variant.
Genome position (GRCh38, 1-based): chr7:93,134,112, A>G on the plus strand (T>C on the coding strand, the complement: SAMD9L is on the minus strand). VCF-style: chr7-93134112-A-G. GRCh37 (hg19) VCF-style: chr7-92763425-A-G.
Other names: c.1860T>C (NM_152703.3, NM_152703.2); c.1860T>C, p.Thr620= (NM_001303496.3, NM_001303497.3, NM_001303498.3 and 5 more transcripts).
Identifiers: ClinVar variation 749294 (VCV000749294.11), dbSNP rs376577185, ClinGen allele CA4343672.
Genomic context (GRCh38, chr7:93,134,112, plus strand): 5'-AGATCCACGGGCGGGCAAAAACCTTCTTGATGACCGAGTCACCGATTTTAGTTTAAGGAT[A>G]GTGCTGTTTACCAGTTCTATATTTAAAGTGGAAATACTGTGGTTTGTTAGTTCATCTTCC-3'
Protein context (NP_689916.2, residues 610-630): STLNIELVNS[Thr620=]ILKLKSVTRS